The following is an entry in ClinVar:

ClinVar aggregate classification (germline): Uncertain significance. Review status: criteria provided, multiple submitters, no conflicts (2 of 4 stars). 4 submissions from 4 submitters: Uncertain significance (4). Last evaluated 2026-07-14.

Conditions:
CYP4V2-related disorder. Also called: CYP4V2-related disorders; CYP4V2-related condition.

Allele frequency attached by ClinVar (database versions not stated): gnomAD exomes 0.00002 and 0.00008; ExAC 0.00010; gnomAD 0.00020 and 0.00021; ESP Exome Variant Server 0.00023; TOPMed 0.00028; 1000 Genomes Project 0.00040; 1000 Genomes Project 30x 0.00047.

Submissions (4):

PreventionGenetics, part of Exact Sciences
Classification: Uncertain significance for CYP4V2-related condition. Last evaluated: 2026-07-14. Review status: criteria provided, single submitter. Criteria: ACMG Guidelines, 2015. Collection method: clinical testing. Allele origin: germline.
Comment: The CYP4V2 c.1102C>T variant is predicted to result in the amino acid substitution p.Arg368Cys. To our knowledge, this variant has not been reported in the literature. This variant is reported in 0.064% of alleles in individuals of African descent in gnomAD, which may be too frequent to be a primary cause of disease. Although we suspect that this variant may be benign, at this time, the clinical significance of this variant is uncertain due to the absence of conclusive functional and genetic evidence.

Blueprint Genetics
Classification: Uncertain significance. Last evaluated: 2024-11-06. Review status: criteria provided, single submitter. Criteria: ACMG Guidelines, 2015. Collection method: clinical testing. Allele origin: germline.

GeneDx
Classification: Uncertain significance. Last evaluated: 2023-10-17. Review status: criteria provided, single submitter. Criteria: GeneDx Variant Classification Process June 2021. Collection method: clinical testing. Allele origin: germline. Affected: yes.
Comment: In silico analysis supports that this missense variant has a deleterious effect on protein structure/function; Has not been previously published as pathogenic or benign to our knowledge

Labcorp Genetics (formerly Invitae), Labcorp
Classification: Uncertain significance. Last evaluated: 2022-11-01. Review status: criteria provided, single submitter. Criteria: Invitae Variant Classification Sherloc (09022015). Collection method: clinical testing. Allele origin: germline.
Comment: This sequence change replaces arginine, which is basic and polar, with cysteine, which is neutral and slightly polar, at codon 368 of the CYP4V2 protein (p.Arg368Cys). This variant is present in population databases (rs150187626, gnomAD 0.06%). This variant has not been reported in the literature in individuals affected with CYP4V2-related conditions. ClinVar contains an entry for this variant (Variation ID: 1427763). Advanced modeling of protein sequence and biophysical properties (such as structural, functional, and spatial information, amino acid conservation, physicochemical variation, residue mobility, and thermodynamic stability) has been performed at Invitae for this missense variant, however the output from this modeling did not meet the statistical confidence thresholds required to predict the impact of this variant on CYP4V2 protein function. In summary, the available evidence is currently insufficient to determine the role of this variant in disease. Therefore, it has been classified as a Variant of Uncertain Significance.

NM_207352.4(CYP4V2):c.1102C>T (p.Arg368Cys)

Gene: CYP4V2 (cytochrome P450 family 4 subfamily V member 2; plus strand). Cytogenetic location: 4q35.2.
Variant type: single nucleotide variant.
Coding change: c.1102C>T on transcript NM_207352.4 (MANE Select); coding-DNA position 1102, C replaced by T.
Protein change: p.Arg368Cys; replaces arginine 368 with cysteine.
Molecular consequence: missense variant.
Genome position (GRCh38, 1-based): chr4:186,208,876, C>T. VCF-style: chr4-186208876-C-T. GRCh37 (hg19) VCF-style: chr4-187130030-C-T.
Other names: c.1102C>T (NM_207352.3); short protein forms R368C.
Identifiers: ClinVar variation 1427763 (VCV001427763.6), dbSNP rs150187626, ClinGen allele CA3162762.